The following is an entry in ClinVar:

ClinVar aggregate classification (germline): Uncertain significance (1 of 4 stars; one submission).

Conditions:
Werner syndrome (WRN). Identifiers: Orphanet 902, MedGen C0043119, MONDO:0010196, OMIM 277700.

Submission:

Labcorp Genetics (formerly Invitae), Labcorp
Classification: Uncertain significance for Werner syndrome. Last evaluated: 2022-03-04. Review status: criteria provided, single submitter. Criteria: Invitae Variant Classification Sherloc (09022015). Collection method: clinical testing. Allele origin: germline.
Comment: This sequence change falls in intron 17 of the WRN gene. It does not directly change the encoded amino acid sequence of the WRN protein. It affects a nucleotide within the consensus splice site. This variant is not present in population databases (gnomAD no frequency). This variant has not been reported in the literature in individuals affected with WRN-related conditions. Variants that disrupt the consensus splice site are a relatively common cause of aberrant splicing (PMID: 17576681, 9536098). Algorithms developed to predict the effect of sequence changes on RNA splicing suggest that this variant may create or strengthen a splice site. In summary, the available evidence is currently insufficient to determine the role of this variant in disease. Therefore, it has been classified as a Variant of Uncertain Significance.

Literature cited by the submitters: PubMed 17576681; PubMed 9536098.

NM_000553.6(WRN):c.1981+4A>C

Gene: WRN (WRN RecQ like helicase; plus strand). Cytogenetic location: 8p12.
Variant type: single nucleotide variant.
Coding change: c.1981+4A>C on transcript NM_000553.6 (MANE Select); 4 bases into the intron after coding-DNA position 1981, A replaced by C.
Molecular consequence: intron variant.
Genome position (GRCh38, 1-based): chr8:31,096,854, A>C. VCF-style: chr8-31096854-A-C. GRCh37 (hg19) VCF-style: chr8-30954370-A-C.
Identifiers: ClinVar variation 1447278 (VCV001447278.3), dbSNP rs2130203712, ClinGen allele CA2573142739.